The following is an entry in ClinVar:

NM_015378.4(VPS13D):c.9998+11T>G

Gene: VPS13D (vacuolar protein sorting 13 homolog D; plus strand). Cytogenetic location: 1p36.22.
Variant type: single nucleotide variant.
Coding change: c.9998+11T>G on transcript NM_015378.4 (MANE Select); 11 bases into the intron after coding-DNA position 9998, T replaced by G.
Molecular consequence: intron variant.
Genome position (GRCh38, 1-based): chr1:12,356,535, T>G. VCF-style: chr1-12356535-T-G. GRCh37 (hg19) VCF-style: chr1-12416592-T-G.
Other names: c.9923+11T>G (NM_018156.4).
Identifiers: ClinVar variation 2001704 (VCV002001704.4), dbSNP rs1402859530, ClinGen allele CA521213833.

ClinVar aggregate classification (germline): Uncertain significance (1 of 4 stars; one submission).

gnomAD v4.1: 1 of 1,609,400 alleles (0.000062%); highest among the groups gnomAD compares: Admixed American, 0.0017%; no homozygotes.

Submission:

Labcorp Genetics (formerly Invitae), Labcorp
Classification: Uncertain significance. Last evaluated: 2022-06-13. Review status: criteria provided, single submitter. Criteria: Invitae Variant Classification Sherloc (09022015). Collection method: clinical testing. Allele origin: germline.
Comment: Algorithms developed to predict the effect of sequence changes on RNA splicing suggest that this variant may create or strengthen a splice site. In summary, the available evidence is currently insufficient to determine the role of this variant in disease. Therefore, it has been classified as a Variant of Uncertain Significance. This variant has not been reported in the literature in individuals affected with VPS13D-related conditions. This variant is present in population databases (no rsID available, gnomAD 0.003%). This sequence change falls in intron 49 of the VPS13D gene. It does not directly change the encoded amino acid sequence of the VPS13D protein.